The following is an entry in ClinVar:

NM_152383.5(DIS3L2):c.1656T>A (p.Asp552Glu)

Gene: DIS3L2 (DIS3 like 3'-5' exoribonuclease 2; plus strand). Cytogenetic location: 2q37.1.
Variant type: single nucleotide variant.
Coding change: c.1656T>A on transcript NM_152383.5 (MANE Select); coding-DNA position 1656, T replaced by A.
Protein change: p.Asp552Glu; replaces aspartic acid 552 with glutamic acid.
Molecular consequence: missense variant. On other transcripts: non-coding transcript variant (2), intron variant (1).
Genome position (GRCh38, 1-based): chr2:232,263,437, T>A. VCF-style: chr2-232263437-T-A. GRCh37 (hg19) VCF-style: chr2-233128147-T-A.
Other names: c.1581+75T>A (NM_001257281.2); short protein forms D552E.
Identifiers: ClinVar variation 463065 (VCV000463065.8), dbSNP rs1553541570, ClinGen allele CA350975833.

ClinVar aggregate classification (germline): Uncertain significance (1 of 4 stars; one submission).

Conditions:
Perlman syndrome (PRLMNS). Identifiers: Orphanet 2849, MedGen C0796113, MONDO:0009965, OMIM 267000.

Submission:

Labcorp Genetics (formerly Invitae), Labcorp
Classification: Uncertain significance for Perlman syndrome. Last evaluated: 2017-07-19. Review status: criteria provided, single submitter. Criteria: Invitae Variant Classification Sherloc (09022015). Collection method: clinical testing. Allele origin: germline.
Comment: Algorithms developed to predict the effect of missense changes on protein structure and function do not agree on the potential impact of this missense change (SIFT: "Tolerated"; PolyPhen-2: "Possibly Damaging"; Align-GVGD: "Class C0"). This variant has not been reported in the literature in individuals with DIS3L2-related disease. This variant is not present in population databases (ExAC no frequency). This sequence change replaces aspartic acid with glutamic acid at codon 552 of the DIS3L2 protein (p.Asp552Glu). The aspartic acid residue is moderately conserved and there is a small physicochemical difference between aspartic acid and glutamic acid. In summary, the available evidence is currently insufficient to determine the role of this variant in disease. Therefore, it has been classified as a Variant of Uncertain Significance.